The following is an entry in ClinVar:

ClinVar aggregate classification (germline): other (0 of 4 stars; one submission).

Conditions:
Familial colorectal cancer. Identifiers: MedGen CN280943, MONDO:0023113. Disease mechanism: loss of function.

Allele frequency attached by ClinVar (database versions not stated): gnomAD 0.59819; TOPMed 0.61491; 1000 Genomes Project 30x 0.67848; 1000 Genomes Project 0.68391.
gnomAD v4.1: 91,941 of 151,650 alleles (61%); highest among the groups gnomAD compares: East Asian, 90%; 28,470 homozygotes.

Submission:

Systems Biology Platform Zhejiang California International NanoSystems Institute
Classification: other for Familial colorectal cancer. Review status: no assertion criteria provided. Collection method: not provided. Allele origin: unknown.
ClinVar note: Converted during submission from cancer to other.

NM_000038.6(APC):c.1312+752G>C

Gene: APC (APC regulator of WNT signaling pathway; plus strand). Cytogenetic location: 5q22.2.
Variant type: single nucleotide variant.
Coding change: c.1312+752G>C on transcript NM_000038.6 (MANE Select); 752 bases into the intron after coding-DNA position 1312, G replaced by C.
Molecular consequence: intron variant.
Genome position (GRCh38, 1-based): chr5:112,820,096, G>C. VCF-style: chr5-112820096-G-C. GRCh37 (hg19) VCF-style: chr5-112155793-G-C.
Other names: c.1312+752G>C (NM_001354895.2, NM_001127510.3, NM_001354896.2); c.1342+752G>C (NM_001354897.2); c.1039+752G>C (NM_001354902.2); c.1258+752G>C (NM_001127511.3); c.1237+752G>C (NM_001354898.2); c.934+752G>C (NM_001354904.2); c.463+752G>C (NM_001354906.2); c.1009+752G>C (NM_001354903.2); and 3 more.
Identifiers: ClinVar variation 83128 (VCV000083128.2), dbSNP rs501250, ClinGen allele CA004215.